The following is an entry in ClinVar:

NM_000245.4(MET):c.501A>C (p.Glu167Asp)

Gene: MET (MET proto-oncogene, receptor tyrosine kinase; plus strand). Cytogenetic location: 7q31.2.
Variant type: single nucleotide variant.
Coding change: c.501A>C on transcript NM_000245.4 (MANE Select); coding-DNA position 501, A replaced by C.
Protein change: p.Glu167Asp; replaces glutamic acid 167 with aspartic acid.
Molecular consequence: missense variant. On other transcripts: intron variant (1).
Genome position (GRCh38, 1-based): chr7:116,699,585, A>C. VCF-style: chr7-116699585-A-C. GRCh37 (hg19) VCF-style: chr7-116339639-A-C.
Other names: c.501A>C, p.Glu167Asp (NM_001127500.3, NM_001324401.3); c.-91+27008A>C (NM_001324402.2); short protein forms E167D.
Identifiers: ClinVar variation 825375 (VCV000825375.15), dbSNP rs1584876986, ClinGen allele CA368969220.

ClinVar aggregate classification (germline): Conflicting classifications of pathogenicity. Review status: criteria provided, conflicting classifications (1 of 4 stars). 2 submissions from 2 submitters: Uncertain significance (1); Likely benign (1). Last evaluated 2026-06-03.

Conditions:
Renal cell carcinoma. Identifiers: Orphanet 217071, MedGen C0007134, MeSH D002292, MONDO:0005086, HP:0005584.
Hereditary cancer-predisposing syndrome. Also called: Tumor predisposition; Neoplastic Syndromes, Hereditary; Hereditary neoplastic syndrome; Hereditary Cancer Syndrome. Identifiers: Orphanet 140162, MedGen C0027672, MeSH D009386, MONDO:0015356.

Submissions (2):

Ambry Genetics
Classification: Likely benign for Hereditary cancer-predisposing syndrome. Last evaluated: 2026-06-03. Review status: criteria provided, single submitter. Criteria: Ambry Variant Classification Scheme 2023. Collection method: clinical testing. Allele origin: germline.

Labcorp Genetics (formerly Invitae), Labcorp
Classification: Uncertain significance for Renal cell carcinoma. Last evaluated: 2022-07-04. Review status: criteria provided, single submitter. Criteria: Invitae Variant Classification Sherloc (09022015). Collection method: clinical testing. Allele origin: germline.
Comment: This variant has not been reported in the literature in individuals affected with MET-related conditions. ClinVar contains an entry for this variant (Variation ID: 825375). Algorithms developed to predict the effect of missense changes on protein structure and function are either unavailable or do not agree on the potential impact of this missense change (SIFT: "Tolerated"; PolyPhen-2: "Probably Damaging"; Align-GVGD: "Class C0"). This variant is not present in population databases (gnomAD no frequency). This sequence change replaces glutamic acid, which is acidic and polar, with aspartic acid, which is acidic and polar, at codon 167 of the MET protein (p.Glu167Asp). In summary, the available evidence is currently insufficient to determine the role of this variant in disease. Therefore, it has been classified as a Variant of Uncertain Significance.